The following is an entry in ClinVar:

NM_000049.4(ASPA):c.770C>G (p.Pro257Arg)

Genes: ASPA (aspartoacylase; plus strand), SPATA22 (spermatogenesis associated 22; minus strand). Cytogenetic location: 17p13.2.
Variant type: single nucleotide variant.
Coding change: c.770C>G on transcript NM_000049.4 (MANE Select); coding-DNA position 770, C replaced by G.
Protein change: p.Pro257Arg; replaces proline 257 with arginine.
Molecular consequence: missense variant. On other transcripts: intron variant (2).
Genome position (GRCh38, 1-based): chr17:3,498,916, C>G. VCF-style: chr17-3498916-C-G. GRCh37 (hg19) VCF-style: chr17-3402210-C-G.
Other names: c.770C>G, p.Pro257Arg (NM_001128085.1); c.-74+14496G>C (NM_001321336.2, NM_001321337.2); short protein forms P257R.
Identifiers: ClinVar variation 430157 (VCV000430157.63), dbSNP rs377217076, ClinGen allele CA8289036.
Genomic context (GRCh38, chr17:3,498,916, plus strand): 5'-AATATAATATATTTATTTTGATTGTTTCCTGAGAGGATCAAGACTGGAAACCACTGCATC[C>G]TGGGGATCCCATGTTTTTAACTCTTGATGGGAAGACGATCCCACTGGGCGGAGACTGTAC-3'
Protein context (NP_000040.1, residues 247-267): LQDQDWKPLH[Pro257Arg]GDPMFLTLDG

ClinVar aggregate classification (germline): Conflicting classifications of pathogenicity. Review status: criteria provided, conflicting classifications (1 of 4 stars). 10 submissions from 10 submitters: Likely pathogenic (3); Uncertain significance (4). 3 of the submissions do not count toward it. Last evaluated 2026-03-13.

Conditions:
ASPA-related disorder. Also called: ASPA-related condition.
Spongy degeneration of central nervous system. Also called: Canavan disease; Von Bogaert-Bertrand disease; ACY2 DEFICIENCY; AMINOACYLASE 2 DEFICIENCY; ASP DEFICIENCY; ASPA DEFICIENCY. Identifiers: Orphanet 141, MedGen C0206307, MONDO:0010079, OMIM 271900.

Allele frequency attached by ClinVar (database versions not stated): ESP Exome Variant Server 0.00008; ExAC 0.00002; TOPMed 0.00001; gnomAD 0.00001; gnomAD exomes 0.00001.
gnomAD v4.1: 10 of 1,605,146 alleles (0.00062%); highest among the groups gnomAD compares: Non-Finnish European, 0.00077%; no homozygotes.

Submissions (10):

Myriad Genetics, Inc.
Classification: Uncertain significance for Spongy degeneration of central nervous system. Last evaluated: 2026-03-13. Review status: criteria provided, single submitter. Criteria: Myriad Autosomal Dominant, Autosomal Recessive and X-Linked Classification Criteria (2023). Collection method: clinical testing. Allele origin: unknown.
Comment: NM_000049.2(ASPA):c.770C>G(P257R) is a missense variant classified as a variant of uncertain significance in the context of Canavan disease. P257R has been observed in cases with relevant disease (PMID: 22850825 and Kurczynski_2011_(Abstract)). Relevant functional assessments of this variant are not available in the literature.P257R has been observed in referenced population frequency databases. In summary, there is insufficient evidence to classify NM_000049.2(ASPA):c.770C>G(P257R) as pathogenic or benign. Please note: this variant was assessed in the context of healthy population screening.

GeneDx
Classification: Likely pathogenic. Last evaluated: 2025-02-20. Review status: criteria provided, single submitter. Criteria: GeneDx Variant Classification Process June 2021. Collection method: clinical testing. Allele origin: germline. Affected: yes.
Comment: Published functional studies demonstrated reduced enzyme activity and thermal stability compared to wild-type (PMID: 22850825); In silico analysis supports that this missense variant has a deleterious effect on protein structure/function; Not observed at significant frequency in large population cohorts (gnomAD); This variant is associated with the following publications: (PMID: 38718669, 38740822, 22850825, 20301412)

PreventionGenetics, part of Exact Sciences
Classification: Likely pathogenic for ASPA-related condition. Last evaluated: 2025-02-03. Review status: criteria provided, single submitter. Criteria: ACMG Guidelines, 2015. Collection method: clinical testing. Allele origin: germline.
Comment: The ASPA c.770C>G variant is predicted to result in the amino acid substitution p.Pro257Arg. This variant has been reported in the compound heterozygous state in a least one individual with atypical Canavan disease who was reported to have a mild disease phenotype (Zano et al. 2013. PubMed ID: 22850825). An in vitro functional study shows this variant reduces protein activity to ~21% compared to control (Zano et al. 2013. PubMed ID: 22850825). This variant is reported in 0.0024% of alleles in individuals of European (Non-Finnish) descent in gnomAD. Taken together, this variant is interpreted as likely pathogenic.

Baylor Genetics
Classification: Uncertain significance for Spongy degeneration of central nervous system. Last evaluated: 2024-12-18. Review status: criteria provided, single submitter. Criteria: ACMG Guidelines, 2015. Collection method: clinical testing. Allele origin: unknown.
Comment: This variant has been reported in conjunction with another variant in an individual with mild Canavan disease and partially impaired enzyme activity (PMID: 22850825).

Fulgent Genetics
Classification: Likely pathogenic for Spongy degeneration of central nervous system. Last evaluated: 2024-02-16. Review status: criteria provided, single submitter. Criteria: ACMG Guidelines, 2015. Collection method: clinical testing. Allele origin: germline.

Women's Health and Genetics/Laboratory Corporation of America, LabCorp
Classification: Uncertain significance. Last evaluated: 2023-03-18. Review status: criteria provided, single submitter. Criteria: LabCorp Variant Classification Summary - May 2015. Collection method: clinical testing. Allele origin: germline.
Comment: Variant summary: ASPA c.770C>G (p.Pro257Arg) results in a non-conservative amino acid change in the encoded protein sequence. Three of five in-silico tools predict a damaging effect of the variant on protein function. The variant allele was found at a frequency of 8.1e-06 in 247414 control chromosomes (gnomAD). c.770C>G has been reported in the literature in at least one compound heterozygous individual affected with Canavan Disease (Zano_2013). These data do not allow any conclusion about variant significance. Experimentally, the variant protein had 21% residual activity and showed reduced thermal stability compared to the wild-type (Zano_2013). Four ClinVar submitters have assessed the variant since 2014: two classified the variant as uncertain significance and two as likely pathogenic. Based on the evidence outlined above, the variant was classified as VUS-possibly pathogenic.

Labcorp Genetics (formerly Invitae), Labcorp
Classification: Uncertain significance for Spongy degeneration of central nervous system. Last evaluated: 2021-10-10. Review status: criteria provided, single submitter. Criteria: Invitae Variant Classification Sherloc (09022015). Collection method: clinical testing. Allele origin: germline.
Comment: This sequence change replaces proline with arginine at codon 257 of the ASPA protein (p.Pro257Arg). The proline residue is highly conserved and there is a moderate physicochemical difference between proline and arginine. This variant is present in population databases (rs377217076, ExAC 0.02%). This variant has been observed in individual(s) with Canavan disease (PMID: 22850825). ClinVar contains an entry for this variant (Variation ID: 430157). Algorithms developed to predict the effect of missense changes on protein structure and function are either unavailable or do not agree on the potential impact of this missense change (SIFT: "Deleterious"; PolyPhen-2: "Benign"; Align-GVGD: "Class C0"). Experimental studies have shown that this variant affects ASPA function (PMID: 22850825). In summary, the available evidence is currently insufficient to determine the role of this variant in disease. Therefore, it has been classified as a Variant of Uncertain Significance.

Counsyl
Classification: Uncertain significance for Spongy degeneration of central nervous system. Last evaluated: 2017-08-16. Review status: no assertion criteria provided. Collection method: clinical testing. Allele origin: unknown. Not counted in ClinVar's aggregate classification.

Natera, Inc.
Classification: Likely pathogenic for Canavan Disease. Last evaluated: 2017-03-15. Review status: no assertion criteria provided. Collection method: clinical testing. Allele origin: germline. Not counted in ClinVar's aggregate classification.

GeneReviews
No classification provided. Condition: Spongy degeneration of central nervous system. Review status: no classification provided. Collection method: literature only. Allele origin: germline. Not counted in ClinVar's aggregate classification.

Literature cited by the submitters: PubMed 22850825 (cited by 3 submitters).